The following is an entry in ClinVar:

ClinVar aggregate classification (germline): Likely pathogenic (1 of 4 stars; one submission).

Submission:

Labcorp Genetics (formerly Invitae), Labcorp
Classification: Likely pathogenic. Last evaluated: 2023-07-11. Review status: criteria provided, single submitter. Criteria: Invitae Variant Classification Sherloc (09022015). Collection method: clinical testing. Allele origin: germline.
Comment: This variant results in the deletion of part of exon 49 (c.9084_9148+14del) of the CPLANE1 gene. It is expected to disrupt RNA splicing. Variants that disrupt the donor or acceptor splice site typically lead to a loss of protein function (PMID: 16199547), and loss-of-function variants in CPLANE1 are known to be pathogenic (PMID: 24178751, 26092869). This variant is not present in population databases (gnomAD no frequency). In summary, the currently available evidence indicates that the variant is pathogenic, but additional data are needed to prove that conclusively. Therefore, this variant has been classified as Likely Pathogenic. ClinVar contains an entry for this variant (Variation ID: 1074285). This variant has not been reported in the literature in individuals affected with CPLANE1-related conditions.

Literature cited by the submitters: PubMed 16199547; PubMed 24178751; PubMed 26092869.

NM_001384732.1(CPLANE1):c.9246_9310+14del

Gene: CPLANE1 (ciliogenesis and planar polarity effector complex subunit 1; minus strand). Cytogenetic location: 5p13.2.
Variant type: Deletion.
Coding change: c.9246_9310+14del on transcript NM_001384732.1 (MANE Select); coding-DNA position 9246 through 14 bases into the intron after coding-DNA position 9310, 79 bases deleted.
Molecular consequence: splice donor variant.
Genome position (GRCh38, 1-based): chr5:37,120,202-37,120,280, 79 bases deleted. GRCh37 (hg19): chr5:37,120,305-37,120,383.
Other names: c.9084_9148+14del (NM_023073.4).
Identifiers: ClinVar variation 1074285 (VCV001074285.9), dbSNP rs2150065330, ClinGen allele CA3237508.